The following is an entry in ClinVar:

ClinVar aggregate classification (germline): Conflicting classifications of pathogenicity. Review status: criteria provided, conflicting classifications (1 of 4 stars). 2 submissions from 2 submitters: Uncertain significance (1); Likely benign (1). Last evaluated 2026-06-02.

Conditions:
Inborn genetic diseases. Identifiers: MedGen C0950123, MeSH D030342.
KIF12-related disorder. Also called: KIF12-related condition.

Allele frequency attached by ClinVar (database versions not stated): gnomAD exomes 0.00013; 1000 Genomes Project 30x 0.00016; 1000 Genomes Project 0.00020; ExAC 0.00026; ESP Exome Variant Server 0.00031; TOPMed 0.00034; gnomAD 0.00038.
gnomAD v4.1: 249 of 1,614,074 alleles (0.015%); highest among the groups gnomAD compares: African/African-American, 0.087%; no homozygotes.

Submissions (2):

PreventionGenetics, part of Exact Sciences
Classification: Uncertain significance for KIF12-related condition. Last evaluated: 2026-06-02. Review status: criteria provided, single submitter. Criteria: ACMG Guidelines, 2015. Collection method: clinical testing. Allele origin: germline.
Comment: The KIF12 c.929G>A variant is predicted to result in the amino acid substitution p.Arg310Gln. To our knowledge, this variant has not been reported in the literature. This variant is reported in 0.092% of alleles in individuals of European (Finnish) descent in gnomAD. Although we suspect that this variant may be benign, at this time, the clinical significance of this variant is uncertain due to the absence of conclusive functional and genetic evidence.

Ambry Genetics
Classification: Likely benign for Inborn genetic diseases. Last evaluated: 2022-12-21. Review status: criteria provided, single submitter. Criteria: Ambry Variant Classification Scheme 2023. Collection method: clinical testing. Allele origin: germline.

NM_001388308.1(KIF12):c.1343G>A (p.Arg448Gln)

Gene: KIF12 (kinesin family member 12; minus strand). Cytogenetic location: 9q32.
Variant type: single nucleotide variant.
Coding change: c.1343G>A on transcript NM_001388308.1 (MANE Select); coding-DNA position 1343, G replaced by A.
Protein change: p.Arg448Gln; replaces arginine 448 with glutamine.
Molecular consequence: missense variant.
Genome position (GRCh38, 1-based): chr9:114,093,943, C>T on the plus strand (G>A on the coding strand, the complement: KIF12 is on the minus strand). VCF-style: chr9-114093943-C-T. GRCh37 (hg19) VCF-style: chr9-116856223-C-T.
Other names: c.929G>A, p.Arg310Gln (NM_138424.2); short protein forms R448Q, R310Q.
Identifiers: ClinVar variation 2374083 (VCV002374083.3), dbSNP rs78637712, ClinGen allele CA5200514.
Genomic context (GRCh38, chr9:114,093,943, plus strand): 5'-TACCTCTCTAGTGCATGGACCTGCTGGGCCAGGATGCGCTGCTCATTCTGGGCCAGGTCT[C>T]GGCTATTCTGCAGCTGGCTCTTTTCTTTCCTAGGGGAGATCACAAGCCAGGAAGGGGTAG-3'
Protein context (NP_001375237.1, residues 438-458): RKEKSQLQNS[Arg448Gln]DLAQNEQRIL